The following is an entry in ClinVar:

NM_001165963.4(SCN1A):c.4972_4975del (p.Thr1658fs)

Genes: SCN1A (sodium voltage-gated channel alpha subunit 1; minus strand), LOC102724058 (uncharacterized LOC102724058; plus strand). Cytogenetic location: 2q24.3.
Variant type: Deletion.
Coding change: c.4972_4975del on transcript NM_001165963.4 (MANE Select); coding-DNA positions 4972 to 4975, 4 bases deleted (ACGC; older notation c.4972_4975delACGC).
Protein change: p.Thr1658fs; shifts the reading frame from threonine 1658.
Molecular consequence: frameshift variant. On other transcripts: non-coding transcript variant (1).
Genome position (GRCh38, 1-based): chr2:165,992,300-165,992,303, GCGT deleted on the plus strand (ACGC on the coding strand, the reverse complement: SCN1A is on the minus strand); deleting any 4 consecutive bases within chr2:165,992,300-165,992,306 gives the same sequence; the c. name uses the placement nearest the transcript's 3' end. VCF-style (leftmost placement, unchanged base first): chr2-165992299-AGCGT-A. GRCh37 (hg19) VCF-style: chr2-166848809-AGCGT-A.
Other names: c.4888_4891del, p.Thr1630fs (NM_001165964.3, NM_001353957.2, NM_001353958.2); c.4972_4975del, p.Thr1658fs (NM_001202435.3, NM_001353948.2); c.4939_4942del, p.Thr1647fs (NM_001353949.2, NM_001353950.2, NM_001353951.2 and 2 more transcripts); c.4936_4939del, p.Thr1646fs (NM_001353954.2, NM_001353955.2); c.4885_4888del, p.Thr1629fs (NM_001353960.2); c.2530_2533del, p.Thr844fs (NM_001353961.2); short protein forms T1629fs, T1630fs, T1646fs, T1647fs, T1658fs, T844fs.
Identifiers: ClinVar variation 4855138 (VCV004855138.1).

ClinVar aggregate classification (germline): Likely pathogenic (1 of 4 stars; one submission).

Conditions:
SCN1A-related disorder. Also called: SCN1A-related disorders; SCN1A-related conditions; SCN1A-related condition.

Submission:

3billion
Classification: Likely pathogenic for SCN1A-related disorder. Last evaluated: 2025-12-18. Review status: criteria provided, single submitter. Criteria: ACMG Guidelines, 2015. Collection method: clinical testing. Allele origin: germline. Affected: yes.
Comment: The variant is not observed in the gnomAD v4.1.0 dataset. Predicted Consequence/Location: Frameshift: predicted to result in a loss or disruption of normal protein function through protein truncation. Multiple pathogenic variants are reported in the predicted truncated region. Therefore, this variant is classified as Likely pathogenic according to the recommendation of ACMG/AMP guideline.